The following is an entry in ClinVar:

ClinVar aggregate classification (germline): Uncertain significance (1 of 4 stars; one submission).

Conditions:
Arterial tortuosity syndrome (ATORS). Identifiers: Orphanet 3342, MedGen C1859726, MONDO:0008818, OMIM 208050.

Allele frequency attached by ClinVar (database versions not stated): gnomAD 0.00001.
gnomAD v4.1: 5 of 1,613,996 alleles (0.00031%); highest among the groups gnomAD compares: East Asian, 0.0022%; no homozygotes.

Submission:

Labcorp Genetics (formerly Invitae), Labcorp
Classification: Uncertain significance for Arterial tortuosity syndrome. Last evaluated: 2022-05-21. Review status: criteria provided, single submitter. Criteria: Invitae Variant Classification Sherloc (09022015). Collection method: clinical testing. Allele origin: germline.
Comment: This variant has not been reported in the literature in individuals affected with SLC2A10-related conditions. In summary, the available evidence is currently insufficient to determine the role of this variant in disease. Therefore, it has been classified as a Variant of Uncertain Significance. Advanced modeling of protein sequence and biophysical properties (such as structural, functional, and spatial information, amino acid conservation, physicochemical variation, residue mobility, and thermodynamic stability) performed at Invitae indicates that this missense variant is expected to disrupt SLC2A10 protein function. This variant is not present in population databases (gnomAD no frequency). This sequence change replaces alanine, which is neutral and non-polar, with threonine, which is neutral and polar, at codon 449 of the SLC2A10 protein (p.Ala449Thr).

NM_030777.4(SLC2A10):c.1345G>A (p.Ala449Thr)

Gene: SLC2A10 (solute carrier family 2 member 10; plus strand). Cytogenetic location: 20q13.12.
Variant type: single nucleotide variant.
Coding change: c.1345G>A on transcript NM_030777.4 (MANE Select); coding-DNA position 1345, G replaced by A.
Protein change: p.Ala449Thr; replaces alanine 449 with threonine.
Molecular consequence: missense variant.
Genome position (GRCh38, 1-based): chr20:46,726,920, G>A. VCF-style: chr20-46726920-G-A. GRCh37 (hg19) VCF-style: chr20-45355559-G-A.
Other names: short protein forms A449T.
Identifiers: ClinVar variation 2193284 (VCV002193284.4), dbSNP rs1224390882, ClinGen allele CA409271941.